The following is an entry in ClinVar:

ClinVar aggregate classification (germline): Uncertain significance (1 of 4 stars; one submission).

gnomAD v4.1: 1 of 1,614,108 alleles (0.000062%); highest among the groups gnomAD compares: Non-Finnish European, 0.000085%; no homozygotes.

Submission:

GeneDx
Classification: Uncertain significance. Last evaluated: 2021-06-23. Review status: criteria provided, single submitter. Criteria: GeneDx Variant Classification Process June 2021. Collection method: clinical testing. Allele origin: germline. Affected: yes.
Comment: Not observed at significant frequency in large population cohorts (Lek et al., 2016); In silico analysis supports that this missense variant has a deleterious effect on protein structure/function; Has not been previously published as pathogenic or benign to our knowledge; This variant is associated with the following publications: (PMID: 27535533)

NM_016284.5(CNOT1):c.6133C>T (p.Arg2045Trp)

Gene: CNOT1 (CCR4-NOT transcription complex subunit 1; minus strand). Cytogenetic location: 16q21.
Variant type: single nucleotide variant.
Coding change: c.6133C>T on transcript NM_016284.5 (MANE Select); coding-DNA position 6133, C replaced by T.
Protein change: p.Arg2045Trp; replaces arginine 2045 with tryptophan.
Molecular consequence: missense variant. On other transcripts: non-coding transcript variant (1).
Genome position (GRCh38, 1-based): chr16:58,532,002, G>A on the plus strand (C>T on the coding strand, the complement: CNOT1 is on the minus strand). VCF-style: chr16-58532002-G-A. GRCh37 (hg19) VCF-style: chr16-58565906-G-A.
Other names: c.6118C>T, p.Arg2040Trp (NM_001265612.2); short protein forms R2040W, R2045W.
Identifiers: ClinVar variation 1329666 (VCV001329666.2), dbSNP rs2151904346, ClinGen allele CA396162287.